The following is an entry in ClinVar:

NM_003737.4(DCHS1):c.9824A>G (p.Gln3275Arg)

Gene: DCHS1 (dachsous cadherin-related 1; minus strand). Cytogenetic location: 11p15.4.
Variant type: single nucleotide variant.
Coding change: c.9824A>G on transcript NM_003737.4 (MANE Select); coding-DNA position 9824, A replaced by G.
Protein change: p.Gln3275Arg; replaces glutamine 3275 with arginine.
Molecular consequence: missense variant.
Genome position (GRCh38, 1-based): chr11:6,621,852, T>C on the plus strand (A>G on the coding strand, the complement: DCHS1 is on the minus strand). VCF-style: chr11-6621852-T-C. GRCh37 (hg19) VCF-style: chr11-6643083-T-C.
Other names: c.9824A>G (NM_003737.2); short protein forms Q3275R.
Identifiers: ClinVar variation 1518872 (VCV001518872.9), dbSNP rs770014749, ClinGen allele CA5859172.

ClinVar aggregate classification (germline): Uncertain significance. Review status: criteria provided, multiple submitters, no conflicts (2 of 4 stars). 2 submissions from 2 submitters: Uncertain significance (2). Last evaluated 2025-12-18.

Conditions:
Inborn genetic diseases. Identifiers: MedGen C0950123, MeSH D030342.

Allele frequency attached by ClinVar (database versions not stated): gnomAD 0.00003 and 0.00004; TOPMed 0.00003; gnomAD exomes 0.00004 and 0.00005; ExAC 0.00006.
gnomAD v4.1: 70 of 1,610,946 alleles (0.0043%); highest among the groups gnomAD compares: Non-Finnish European, 0.0052%; no homozygotes.

Submissions (2):

Labcorp Genetics (formerly Invitae), Labcorp
Classification: Uncertain significance. Last evaluated: 2025-12-18. Review status: criteria provided, single submitter. Criteria: Invitae Variant Classification Sherloc (09022015). Collection method: clinical testing. Allele origin: germline.
Comment: This sequence change replaces glutamine, which is neutral and polar, with arginine, which is basic and polar, at codon 3275 of the DCHS1 protein (p.Gln3275Arg). This variant is present in population databases (rs770014749, gnomAD 0.008%). This variant has not been reported in the literature in individuals affected with DCHS1-related conditions. ClinVar contains an entry for this variant (Variation ID: 1518872). Invitae Evidence Modeling of protein sequence and biophysical properties (such as structural, functional, and spatial information, amino acid conservation, physicochemical variation, residue mobility, and thermodynamic stability) indicates that this missense variant is not expected to disrupt DCHS1 protein function with a negative predictive value of 95%. In summary, the available evidence is currently insufficient to determine the role of this variant in disease. Therefore, it has been classified as a Variant of Uncertain Significance.

Ambry Genetics
Classification: Uncertain significance for Inborn genetic diseases. Last evaluated: 2025-08-08. Review status: criteria provided, single submitter. Criteria: Ambry Variant Classification Scheme 2023. Collection method: clinical testing. Allele origin: germline.